The following is an entry in ClinVar:

NM_001105206.3(LAMA4):c.329G>A (p.Cys110Tyr)

Gene: LAMA4 (laminin subunit alpha 4; minus strand). Cytogenetic location: 6q21.
Variant type: single nucleotide variant.
Coding change: c.329G>A on transcript NM_001105206.3 (MANE Select); coding-DNA position 329, G replaced by A.
Protein change: p.Cys110Tyr; replaces cysteine 110 with tyrosine.
Molecular consequence: missense variant.
Genome position (GRCh38, 1-based): chr6:112,207,114, C>T on the plus strand (G>A on the coding strand, the complement: LAMA4 is on the minus strand). VCF-style: chr6-112207114-C-T. GRCh37 (hg19) VCF-style: chr6-112528315-C-T.
Other names: c.329G>A, p.Cys110Tyr (NM_001105207.3, NM_002290.5); short protein forms C110Y.
Identifiers: ClinVar variation 5023455 (VCV005023455.1).
Genomic context (GRCh38, chr6:112,207,114, plus strand): 5'-TGGCAGAATTGGGGTGCTCCCCTGATGGAATCTCCGATATAACCATCCAGACACTTTTCA[C>T]AGTGCTCTCCTGTTGTGTTCCGCTGGCAGTGCTATGAGACAAAAGACAAGAAGATTGACA-3'
Protein context (NP_001098676.2, residues 100-120): HCQRNTTGEH[Cys110Tyr]EKCLDGYIGD

ClinVar aggregate classification (germline): Uncertain significance (1 of 4 stars; one submission).

Conditions:
Cardiovascular phenotype. Identifiers: MedGen CN230736.

gnomAD v4.1: 1 of 1,613,990 alleles (0.000062%); highest among the groups gnomAD compares: Non-Finnish European, 0.000085%; no homozygotes.

Submission:

Ambry Genetics
Classification: Uncertain significance for Cardiovascular phenotype. Last evaluated: 2026-06-27. Review status: criteria provided, single submitter. Criteria: Ambry Variant Classification Scheme 2023. Collection method: clinical testing. Allele origin: germline.
Comment: The p.C110Y variant (also known as c.329G>A), located in coding exon 3 of the LAMA4 gene, results from a G to A substitution at nucleotide position 329. The cysteine at codon 110 is replaced by tyrosine, an amino acid with highly dissimilar properties. This amino acid position is conserved. In addition, this alteration is predicted to be deleterious by in silico analysis. Based on the available evidence, the clinical significance of this variant remains unclear.